The following is an entry in ClinVar:

ClinVar aggregate classification (germline): Likely benign (1 of 4 stars; one submission).

gnomAD v4.1: 3,229 of 1,614,128 alleles (0.2%); highest among the groups gnomAD compares: Admixed American, 0.23%; 4 homozygotes.

Submission:

CeGaT Center for Human Genetics Tuebingen
Classification: Likely benign. Last evaluated: 2025-06-01. Review status: criteria provided, single submitter. Criteria: CeGaT Center For Human Genetics Tuebingen Variant Classification Criteria Version 2. Collection method: clinical testing. Allele origin: germline. Affected: yes. Observed: 1 variant allele.
Comment: ALCAM: BP4, BP7

NM_001627.4(ALCAM):c.246T>C (p.Asp82=)

Gene: ALCAM (activated leukocyte cell adhesion molecule; plus strand). Cytogenetic location: 3q13.11.
Variant type: single nucleotide variant.
Coding change: c.246T>C on transcript NM_001627.4 (MANE Select); coding-DNA position 246, T replaced by C.
Protein change: p.Asp82=; no amino-acid change (aspartic acid 82 retained).
Molecular consequence: synonymous variant.
Genome position (GRCh38, 1-based): chr3:105,524,360, T>C. VCF-style: chr3-105524360-T-C. GRCh37 (hg19) VCF-style: chr3-105243204-T-C.
Other names: c.246T>C, p.Asp82= (NM_001243280.2, NM_001243281.2, NM_001243283.2).
Identifiers: ClinVar variation 3904826 (VCV003904826.10).
Genomic context (GRCh38, chr3:105,524,360, plus strand): 5'-TGGCTCCCCAGTATTTATTGCCTTCAGATCCTCTACAAAGAAAAGTGTGCAGTACGACGA[T>C]GTACCAGAATACAAAGACAGATTGAACCTCTCAGAAAACTACACTTTGTCTATCAGTAAT-3'
Protein context (NP_001618.2, residues 72-92): SSTKKSVQYD[Asp82=]VPEYKDRLNL